The following is an entry in ClinVar:

NM_000093.5(COL5A1):c.4456G>A (p.Gly1486Ser)

Genes: COL5A1 (collagen type V alpha 1 chain; plus strand), LOC101448202 (uncharacterized LOC101448202; minus strand). Cytogenetic location: 9q34.3.
Variant type: single nucleotide variant.
Coding change: c.4456G>A on transcript NM_000093.5 (MANE Select); coding-DNA position 4456, G replaced by A.
Protein change: p.Gly1486Ser; replaces glycine 1486 with serine.
Molecular consequence: missense variant. On other transcripts: non-coding transcript variant (1).
Genome position (GRCh38, 1-based): chr9:134,820,125, G>A. VCF-style: chr9-134820125-G-A. GRCh37 (hg19) VCF-style: chr9-137711971-G-A.
Other names: c.4456G>A, p.Gly1486Ser (NM_001278074.1); short protein forms G1486S.
Identifiers: ClinVar variation 450922 (VCV000450922.3), dbSNP rs1554806972, ClinGen allele CA375457742.

ClinVar aggregate classification (germline): Likely pathogenic (1 of 4 stars; one submission).

Submission:

GeneDx
Classification: Likely pathogenic. Last evaluated: 2023-02-14. Review status: criteria provided, single submitter. Criteria: GeneDx Variant Classification Process June 2021. Collection method: clinical testing. Allele origin: germline. Affected: yes.
Comment: Not observed at significant frequency in large population cohorts (gnomAD); In silico analysis supports that this missense variant has a deleterious effect on protein structure/function; Has not been previously published as pathogenic or benign to our knowledge; Affects a glycine residue in a Gly-X-Y motif in the triple helical region of the COL5A1 gene, where the majority of pathogenic missense variants occur (Symoens et al., 2012; HGMD); This variant is associated with the following publications: (PMID: 22696272)